The following is an entry in ClinVar:

NM_012398.3(PIP5K1C):c.1863C>T (p.Gly621=)

Gene: PIP5K1C (phosphatidylinositol-4-phosphate 5-kinase type 1 gamma; minus strand). Cytogenetic location: 19p13.3.
Variant type: single nucleotide variant.
Coding change: c.1863C>T on transcript NM_012398.3 (MANE Select); coding-DNA position 1863, C replaced by T.
Protein change: p.Gly621=; no amino-acid change (glycine 621 retained).
Molecular consequence: synonymous variant.
Genome position (GRCh38, 1-based): chr19:3,638,941, G>A on the plus strand (C>T on the coding strand, the complement: PIP5K1C is on the minus strand). VCF-style: chr19-3638941-G-A. GRCh37 (hg19) VCF-style: chr19-3638939-G-A.
Other names: c.1863C>T, p.Gly621= (NM_001195733.2, NM_001300849.2).
Identifiers: ClinVar variation 731418 (VCV000731418.8), dbSNP rs150938855, ClinGen allele CA9082035.
Genomic context (GRCh38, chr19:3,638,941, plus strand): 5'-TACAAAGTAGATGTCGGTGGCGGGCGCGTCCTCCTCGTCCGAGGCCTGGCTGGCAGGTGC[G>A]CCCTCCTCGTCTGAGGCCTGGCTGGCAGTTTCTACTTCAACAGCAGCAGAGGCACCGGCC-3'
Protein context (NP_036530.1, residues 611-631): ETASQASDEE[Gly621=]APASQASDEE

ClinVar aggregate classification (germline): Benign/Likely benign. Review status: criteria provided, multiple submitters, no conflicts (2 of 4 stars). 3 submissions from 3 submitters: Benign (1); Likely benign (1). 1 of the submissions does not count toward it. Last evaluated 2025-12-29.

Conditions:
PIP5K1C-related disorder. Also called: PIP5K1C-related condition.

Allele frequency attached by ClinVar (database versions not stated): ESP Exome Variant Server 0.00046; gnomAD 0.00059 and 0.00078; TOPMed 0.00096; ExAC 0.00131; gnomAD exomes 0.00137; 1000 Genomes Project 0.00260; 1000 Genomes Project 30x 0.00265.
gnomAD v4.1: 1,210 of 1,612,296 alleles (0.075%); highest among the groups gnomAD compares: East Asian, 2.2%; 13 homozygotes.

Submissions (3):

Labcorp Genetics (formerly Invitae), Labcorp
Classification: Benign. Last evaluated: 2025-12-29. Review status: criteria provided, single submitter. Criteria: Invitae Variant Classification Sherloc (09022015). Collection method: clinical testing. Allele origin: germline.

Blueprint Genetics
Classification: Likely benign. Last evaluated: 2024-11-20. Review status: criteria provided, single submitter. Criteria: ACMG Guidelines, 2015. Collection method: clinical testing. Allele origin: germline.

PreventionGenetics, part of Exact Sciences
Classification: Likely benign for PIP5K1C-related condition. Last evaluated: 2019-04-01. Review status: no assertion criteria provided. Collection method: clinical testing. Allele origin: germline. Not counted in ClinVar's aggregate classification.
Comment: This variant is classified as likely benign based on ACMG/AMP sequence variant interpretation guidelines (Richards et al. 2015 PMID: 25741868, with internal and published modifications).